The following is an entry in ClinVar:

NM_017633.3(TENT5A):c.72CGGCGACTTCGGCGG[8] (p.26DFGGG[8])

Gene: TENT5A (terminal nucleotidyltransferase 5A; minus strand). Cytogenetic location: 6q14.1.
Variant type: Microsatellite.
Coding change: c.72CGGCGACTTCGGCGG[8] on transcript NM_017633.3 (MANE Select); eight copies in a row of the 15-base unit CGGCGACTTCGGCGG starting at c.72; the reference has four copies in a row; four copies, 60 bases duplicated.
Protein change: p.26DFGGG[8].
Molecular consequence: inframe insertion.
Genome position (GRCh38, 1-based): chr6:81,752,011-81,752,070, 60 bases duplicated. GRCh37 (hg19), VCF-style position (the base before the change): chr6:82,461,727.
Other names: c.72_131dup60 (NM_017633.2).
Identifiers: ClinVar variation 1680615 (VCV001680615.8), dbSNP rs754008809, ClinGen allele CA1091105322.

ClinVar aggregate classification (germline): Uncertain significance. Review status: criteria provided, single submitter (1 of 4 stars). 2 submissions from 2 submitters: Uncertain significance (1). 1 of the submissions does not count toward it. Last evaluated 2025-11-12.

Conditions:
TENT5A-related disorder. Also called: TENT5A-related condition.

Submissions (2):

Labcorp Genetics (formerly Invitae), Labcorp
Classification: Uncertain significance. Last evaluated: 2025-11-12. Review status: criteria provided, single submitter. Criteria: Invitae Variant Classification Sherloc (09022015). Collection method: clinical testing. Allele origin: germline.
Comment: This variant, c.72_131dup, results in the insertion of 20 amino acid(s) of the FAM46A protein (p.Asp26_Gly45dup), but otherwise preserves the integrity of the reading frame. This variant is not present in population databases (gnomAD no frequency). This variant has been observed in individual(s) with clinical features of osteogenesis imperfecta (internal data). Experimental studies and prediction algorithms are not available or were not evaluated, and the functional significance of this variant is currently unknown. In summary, the available evidence is currently insufficient to determine the role of this variant in disease. Therefore, it has been classified as a Variant of Uncertain Significance.

PreventionGenetics, part of Exact Sciences
Classification: Uncertain significance for TENT5A-related condition. Last evaluated: 2023-10-25. Review status: no assertion criteria provided. Collection method: clinical testing. Allele origin: germline. Not counted in ClinVar's aggregate classification.
Comment: The TENT5A c.72_131dup60 variant is predicted to result in an in-frame duplication (p.Asp26_Gly45dup). To our knowledge, this variant has not been reported in the literature or in a large population database, indicating this variant is rare. At this time, the clinical significance of this variant is uncertain due to the absence of conclusive functional and genetic evidence.